The following is an entry in ClinVar:

NM_001035.3(RYR2):c.1612+14T>C

Gene: RYR2 (ryanodine receptor 2; plus strand). Cytogenetic location: 1q43.
Variant type: single nucleotide variant.
Coding change: c.1612+14T>C on transcript NM_001035.3 (MANE Select); 14 bases into the intron after coding-DNA position 1612, T replaced by C.
Molecular consequence: intron variant.
Genome position (GRCh38, 1-based): chr1:237,456,749, T>C. VCF-style: chr1-237456749-T-C. GRCh37 (hg19) VCF-style: chr1-237620049-T-C.
Identifiers: ClinVar variation 43752 (VCV000043752.39), dbSNP rs2045955, ClinGen allele CA008519.
Genomic context (GRCh38, chr1:237,456,749, plus strand): 5'-AGGAGAGTCTTGGAAATCCATTCTGAATTCTCTGTATGAGTTGCTGGGTAAGAAGCATGA[T>C]TGGGTTCATAGCAACAGAGTTATCTATTTAAAATGTCCATAAATGGACTAGGTGTGATGG-3'

ClinVar aggregate classification (germline): Benign. Review status: criteria provided, multiple submitters, no conflicts (2 of 4 stars). 17 submissions from 14 submitters: Benign (14). 3 of the submissions do not count toward it. Last evaluated 2026-09-21.

Conditions:
Cardiac arrhythmia. Also called: Cardiac rhythm disease; Arrhythmia. Identifiers: MedGen C0003811, MONDO:0007263, HP:0011675.
Cardiovascular phenotype. Identifiers: MedGen CN230736.
Catecholaminergic polymorphic ventricular tachycardia 1. Also called: VENTRICULAR TACHYCARDIA, STRESS-INDUCED POLYMORPHIC 1; VENTRICULAR TACHYCARDIA, CATECHOLAMINERGIC POLYMORPHIC, 1, WITH OR WITHOUT ATRIAL DYSFUNCTION AND/OR DILATED CARDIOMYOPATHY; RYR2-Related Catecholaminergic Polymorphic Ventricular Tachycardia. Identifiers: Orphanet 3286, MedGen C1631597, MONDO:0011484, OMIM 604772.
Arrhythmogenic right ventricular dysplasia 2. Identifiers: MedGen C1832931.

Allele frequency attached by ClinVar (database versions not stated): gnomAD 0.49156 and 0.48321; gnomAD exomes 0.55764 and 0.55739; 1000 Genomes Project 30x 0.52030; 1000 Genomes Project 0.53115; ExAC 0.55142; TOPMed 0.47987; ESP Exome Variant Server 0.46338.
gnomAD v4.1: 888,603 of 1,611,822 alleles (55%); highest among the groups gnomAD compares: East Asian, 82%; 249,649 homozygotes.

Submissions (17):

Molecular Diagnostic Laboratory for Inherited Cardiovascular Disease, Montreal Heart Institute
Classification: Benign. Last evaluated: 2026-09-21. Review status: criteria provided, single submitter. Criteria: ACMG Guidelines, 2015. Collection method: clinical testing. Allele origin: germline. Affected: no.

Labcorp Genetics (formerly Invitae), Labcorp
Classification: Benign for Catecholaminergic polymorphic ventricular tachycardia 1. Last evaluated: 2026-02-04. Review status: criteria provided, single submitter. Criteria: Invitae Variant Classification Sherloc (09022015). Collection method: clinical testing. Allele origin: germline.

Blueprint Genetics
Classification: Benign. Last evaluated: 2024-11-26. Review status: criteria provided, single submitter. Criteria: ACMG Guidelines, 2015. Collection method: clinical testing. Allele origin: germline.

Genome-Nilou Lab
Classification: Benign for Catecholaminergic polymorphic ventricular tachycardia 1. Last evaluated: 2021-11-07. Review status: criteria provided, single submitter. Criteria: ACMG Guidelines, 2015. Collection method: clinical testing. Allele origin: germline. Affected: no.

Genome-Nilou Lab
Classification: Benign for Ventricular arrhythmias due to cardiac ryanodine receptor calcium release deficiency syndrome. Last evaluated: 2021-11-07. Review status: criteria provided, single submitter. Criteria: ACMG Guidelines, 2015. Collection method: clinical testing. Allele origin: germline. Affected: no.

Genome-Nilou Lab
Classification: Benign for Catecholaminergic polymorphic ventricular tachycardia 1. Last evaluated: 2021-11-07. Review status: criteria provided, single submitter. Criteria: ACMG Guidelines, 2015. Collection method: clinical testing. Allele origin: germline. Affected: no.

Illumina Laboratory Services, Illumina
Classification: Benign for Catecholaminergic polymorphic ventricular tachycardia 1. Last evaluated: 2018-01-12. Review status: criteria provided, single submitter. Criteria: ICSL Variant Classification Criteria 13 December 2019. Collection method: clinical testing. Allele origin: germline.
Comment: This variant was observed in the ICSL laboratory as part of a predisposition screen in an ostensibly healthy population. It had not been previously curated by ICSL or reported in the Human Gene Mutation Database (HGMD: prior to June 1st, 2018), and was therefore a candidate for classification through an automated scoring system. Utilizing variant allele frequency, disease prevalence and penetrance estimates, and inheritance mode, an automated score was calculated to assess if this variant is too frequent to cause the disease. Based on the score and internal cut-off values, a variant classified as benign is not then subjected to further curation. The score for this variant resulted in a classification of benign for this disease.

Illumina Laboratory Services, Illumina
Classification: Benign for Catecholaminergic polymorphic ventricular tachycardia 1. Last evaluated: 2018-01-12. Review status: criteria provided, single submitter. Criteria: ICSL Variant Classification Criteria 13 December 2019. Collection method: clinical testing. Allele origin: germline.
Comment: the same text as in the submission from Illumina Laboratory Services, Illumina above.

GeneDx
Classification: Benign. Last evaluated: 2015-03-03. Review status: criteria provided, single submitter. Criteria: GeneDx Variant Classification Process June 2021. Collection method: clinical testing. Allele origin: germline. Affected: yes.

Ambry Genetics
Classification: Benign for Cardiovascular phenotype. Last evaluated: 2014-12-08. Review status: criteria provided, single submitter. Criteria: Ambry Variant Classification Scheme 2023. Collection method: clinical testing. Allele origin: germline.

Eurofins Ntd Llc (ga)
Classification: Benign. Last evaluated: 2014-11-12. Review status: criteria provided, single submitter. Criteria: EGL Classification Definitions 2015. Collection method: clinical testing. Allele origin: germline. Observed: 2 variant alleles, 2 heterozygotes.

Laboratory for Molecular Medicine, Mass General Brigham Personalized Medicine
Classification: Benign. Last evaluated: 2011-09-27. Review status: criteria provided, single submitter. Criteria: LMM Criteria. Collection method: clinical testing. Allele origin: germline. Observed: 1,406 variant alleles.

Breakthrough Genomics
Classification: Benign. Review status: criteria provided, single submitter. Criteria: ACMG Guidelines, 2015. Collection method: not provided. Allele origin: germline. Inheritance: Autosomal dominant inheritance. Affected: yes.

PreventionGenetics, part of Exact Sciences
Classification: Benign. Review status: criteria provided, single submitter. Criteria: ACMG Guidelines, 2015. Collection method: clinical testing. Allele origin: germline.

Clinical Genetics, Academic Medical Center
Classification: Benign. Review status: no assertion criteria provided. Collection method: clinical testing. Allele origin: germline. Affected: yes. Study: VKGL Data-share Consensus. Not counted in ClinVar's aggregate classification.

Diagnostic Laboratory, Department of Genetics, University Medical Center Groningen
Classification: Benign. Review status: no assertion criteria provided. Collection method: clinical testing. Allele origin: germline. Affected: yes. Study: VKGL Data-share Consensus. Not counted in ClinVar's aggregate classification.

Joint Genome Diagnostic Labs from Nijmegen and Maastricht, Radboudumc and MUMC+
Classification: Benign. Review status: no assertion criteria provided. Collection method: clinical testing. Allele origin: germline. Affected: yes. Study: VKGL Data-share Consensus. Not counted in ClinVar's aggregate classification.